The following is an entry in ClinVar:

NM_001112741.2(KCNC1):c.1625G>A (p.Arg542Lys)

Gene: KCNC1 (potassium voltage-gated channel subfamily C member 1; plus strand). Cytogenetic location: 11p15.1.
Variant type: single nucleotide variant.
Coding change: c.1625G>A on transcript NM_001112741.2 (MANE Select); coding-DNA position 1625, G replaced by A.
Protein change: p.Arg542Lys; replaces arginine 542 with lysine.
Molecular consequence: missense variant.
Genome position (GRCh38, 1-based): chr11:17,779,576, G>A. VCF-style: chr11-17779576-G-A. GRCh37 (hg19) VCF-style: chr11-17801123-G-A.
Other names: short protein forms R542K.
Identifiers: ClinVar variation 567570 (VCV000567570.9), dbSNP rs1021551048, ClinGen allele CA379814434.

ClinVar aggregate classification (germline): Uncertain significance (1 of 4 stars; one submission).

Conditions:
Progressive myoclonic epilepsy type 7. Identifiers: Orphanet 435438, MedGen C4015420, MONDO:0014521, OMIM 616187.

Allele frequency attached by ClinVar (database versions not stated): TOPMed below 0.00001.
gnomAD v4.1: 4 of 1,551,592 alleles (0.00026%); no homozygotes.

Submission:

Labcorp Genetics (formerly Invitae), Labcorp
Classification: Uncertain significance for Progressive myoclonic epilepsy type 7. Last evaluated: 2023-10-16. Review status: criteria provided, single submitter. Criteria: Invitae Variant Classification Sherloc (09022015). Collection method: clinical testing. Allele origin: germline.
Comment: This sequence change replaces arginine, which is basic and polar, with lysine, which is basic and polar, at codon 542 of the KCNC1 protein (p.Arg542Lys). This variant is not present in population databases (gnomAD no frequency). This variant has not been reported in the literature in individuals affected with KCNC1-related conditions. ClinVar contains an entry for this variant (Variation ID: 567570). Advanced modeling of protein sequence and biophysical properties (such as structural, functional, and spatial information, amino acid conservation, physicochemical variation, residue mobility, and thermodynamic stability) performed at Invitae indicates that this missense variant is not expected to disrupt KCNC1 protein function. In summary, the available evidence is currently insufficient to determine the role of this variant in disease. Therefore, it has been classified as a Variant of Uncertain Significance.